The following is an entry in ClinVar:

ClinVar aggregate classification (germline): Uncertain significance (1 of 4 stars; one submission).

Submission:

GeneDx
Classification: Uncertain significance. Last evaluated: 2023-11-09. Review status: criteria provided, single submitter. Criteria: GeneDx Variant Classification Process June 2021. Collection method: clinical testing. Allele origin: germline. Affected: yes.
Comment: Not observed at significant frequency in large population cohorts (gnomAD); In silico analysis supports that this missense variant does not alter protein structure/function; Has not been previously published as pathogenic or benign to our knowledge

NM_014795.4(ZEB2):c.298A>C (p.Asn100His)

Gene: ZEB2 (zinc finger E-box binding homeobox 2; minus strand). Cytogenetic location: 2q22.3.
Variant type: single nucleotide variant.
Coding change: c.298A>C on transcript NM_014795.4 (MANE Select); coding-DNA position 298, A replaced by C.
Protein change: p.Asn100His; replaces asparagine 100 with histidine.
Molecular consequence: missense variant.
Genome position (GRCh38, 1-based): chr2:144,429,802, T>G on the plus strand (A>C on the coding strand, the complement: ZEB2 is on the minus strand). VCF-style: chr2-144429802-T-G. GRCh37 (hg19) VCF-style: chr2-145187369-T-G.
Other names: c.298A>C, p.Asn100His (NM_001171653.2); short protein forms N100H.
Identifiers: ClinVar variation 2663312 (VCV002663312.1), dbSNP rs2549120611, ClinGen allele CA348718626.
Genomic context (GRCh38, chr2:144,429,802, plus strand): 5'-AGAGGCCAAGTGATTTTAGACACTTACCTGGACCATCTACAGAGGCTTGTAGAATCTCGT[T>G]GTTGTGCCAGGGGTGTTCCACTCCACCCTCCCTTATTTCATCTTCCTCTTCCTCTCTTGG-3'
Protein context (NP_055610.1, residues 90-110): EGGVEHPWHN[Asn100His]EILQASVDGP